The following is an entry in ClinVar:

ClinVar aggregate classification (germline): Pathogenic (1 of 4 stars; one submission).

Conditions:
Hereditary factor XI deficiency disease. Also called: PLASMA THROMBOPLASTIN ANTECEDENT DEFICIENCY; PTA DEFICIENCY; ROSENTHAL SYNDROME; Congenital factor XI deficiency. Identifiers: Orphanet 329, MedGen C0015523, MeSH D005173, MONDO:0012897, OMIM 612416.

Submission:

Myriad Genetics, Inc.
Classification: Pathogenic for Hereditary factor XI deficiency disease. Last evaluated: 2024-03-06. Review status: criteria provided, single submitter. Criteria: Myriad Autosomal Dominant, Autosomal Recessive and X-Linked Classification Criteria (2023). Collection method: clinical testing. Allele origin: unknown.
Comment: NM_000128.3(F11):c.30_34dup5(L12Sfs*12) is expected to be pathogenic in the context of factor XI deficiency. This variant is predicted to lead to an abnormal or absent protein product due to the creation of a premature termination codon in F11, a gene where loss-of-function variants are known to be pathogenic. Please note: this variant was assessed in the context of healthy population screening.

NM_000128.4(F11):c.30_34dup (p.Leu12fs)

Gene: F11 (coagulation factor XI; plus strand). Cytogenetic location: 4q35.2.
Variant type: Microsatellite.
Coding change: c.30_34dup on transcript NM_000128.4 (MANE Select); coding-DNA positions 30 to 34, 5 bases duplicated (CATTT; older notation c.30_34dupCATTT).
Protein change: p.Leu12fs; shifts the reading frame from leucine 12.
Molecular consequence: frameshift variant.
Genome position (GRCh38, 1-based): chr4:186,267,166-186,267,170, CATTT duplicated; duplicating any 5 consecutive bases within chr4:186,267,161-186,267,170 gives the same sequence; the c. name uses the placement nearest the transcript's 3' end. VCF-style (leftmost placement, unchanged base first): chr4-186267160-A-ACATTT. GRCh37 (hg19) VCF-style: chr4-187188314-A-ACATTT.
Other names: c.30_34dup, p.Leu12fs (NM_001354804.2, NM_001440590.1, NM_001440593.1 and 5 more transcripts); short protein forms L12fs.
Identifiers: ClinVar variation 5012798 (VCV005012798.1).
Genomic context (GRCh38, chr4:186,267,160, plus strand): 5'-TATGTTCTAAAAGCATGCACCTTTTTCTCATTGTAGGATGATTTTCTTATATCAAGTGGT[A>ACATTT]CATTTCATTTTATTTACTTCAGTTTCTGGTGGTAAGTAGAGTGTTATCTTAACTATGGGC-3'